The following is an entry in ClinVar:

NM_001079843.3(CASZ1):c.3736C>T (p.Arg1246Cys)

Gene: CASZ1 (castor zinc finger 1; minus strand). Cytogenetic location: 1p36.22.
Variant type: single nucleotide variant.
Coding change: c.3736C>T on transcript NM_001079843.3 (MANE Select); coding-DNA position 3736, C replaced by T.
Protein change: p.Arg1246Cys; replaces arginine 1246 with cysteine.
Molecular consequence: missense variant.
Genome position (GRCh38, 1-based): chr1:10,645,049, G>A on the plus strand (C>T on the coding strand, the complement: CASZ1 is on the minus strand). VCF-style: chr1-10645049-G-A. GRCh37 (hg19) VCF-style: chr1-10705106-G-A.
Other names: short protein forms R1246C.
Identifiers: ClinVar variation 4806088 (VCV004806088.1).

ClinVar aggregate classification (germline): Uncertain significance (1 of 4 stars; one submission).

gnomAD v4.1: 452 of 1,614,058 alleles (0.028%); highest among the groups gnomAD compares: Middle Eastern, 0.049%; no homozygotes.

Submission:

Labcorp Genetics (formerly Invitae), Labcorp
Classification: Uncertain significance. Last evaluated: 2025-10-31. Review status: criteria provided, single submitter. Criteria: Invitae Variant Classification Sherloc (09022015). Collection method: clinical testing. Allele origin: germline.
Comment: This sequence change replaces arginine, which is basic and polar, with cysteine, which is neutral and slightly polar, at codon 1246 of the CASZ1 protein (p.Arg1246Cys). This variant is present in population databases (rs200616848, gnomAD 0.03%), and has an allele count higher than expected for a pathogenic variant. This variant has not been reported in the literature in individuals affected with CASZ1-related conditions. An algorithm developed to predict the effect of missense changes on protein structure and function (PolyPhen-2) suggests that this variant is likely to be disruptive. In summary, the available evidence is currently insufficient to determine the role of this variant in disease. Therefore, it has been classified as a Variant of Uncertain Significance.